The following is an entry in ClinVar:

ClinVar aggregate classification (germline): Uncertain significance (1 of 4 stars; one submission).

Conditions:
Behavior disorder. Also called: Behavioral disorder. Identifiers: MedGen C0004930.

gnomAD v4.1: 17 of 1,586,296 alleles (0.0011%); highest among the groups gnomAD compares: East Asian, 0.0067%; no homozygotes.

Submission:

Illumina Laboratory Services, Illumina
Classification: Uncertain significance for Behavior disorder. Last evaluated: 2017-04-28. Review status: criteria provided, single submitter. Criteria: ICSL Variant Classification Criteria 13 December 2019. Collection method: clinical testing. Allele origin: germline.
Comment: This variant was observed as part of a predisposition screen in an ostensibly healthy population. A literature search was performed for the gene, cDNA change, and amino acid change (where applicable). Publications were found based on this search. However, the evidence from the literature, in combination with allele frequency data from public databases where available, was not sufficient to rule this variant in or out of causing disease. Therefore, this variant is classified as a variant of unknown significance.

Literature cited by the submitters: PubMed 19806148.

NM_001045.6(SLC6A4):c.1317G>C (p.Thr439=)

Gene: SLC6A4 (solute carrier family 6 member 4; minus strand). Cytogenetic location: 17q11.2.
Variant type: single nucleotide variant.
Coding change: c.1317G>C on transcript NM_001045.6 (MANE Select); coding-DNA position 1317, G replaced by C.
Protein change: p.Thr439=; no amino-acid change (threonine 439 retained).
Molecular consequence: synonymous variant.
Genome position (GRCh38, 1-based): chr17:30,211,312, C>G on the plus strand (G>C on the coding strand, the complement: SLC6A4 is on the minus strand). VCF-style: chr17-30211312-C-G. GRCh37 (hg19) VCF-style: chr17-28538330-C-G.
Identifiers: ClinVar variation 891754 (VCV000891754.4), dbSNP rs6353, ClinGen allele CA8480208.
Genomic context (GRCh38, chr17:30,211,312, plus strand): 5'-GAGTCCTCCTCCTTTCCTCTTCATCCTCCCACAGCCCATTTCCCCTTCCCATTTCCTCAC[C>G]GTGCTGTCCAAGCCCAGCGTGATTAACATCAGAAAGAAGATGATGGCAAAGAAAGTGGAC-3'
Protein context (NP_001036.1, residues 429-449): LMLITLGLDS[Thr439=]FAGLEGVITA